The following is an entry in ClinVar:

ClinVar aggregate classification (germline): Uncertain significance (1 of 4 stars; one submission).

gnomAD v4.1: 62 of 1,613,858 alleles (0.0038%); highest among the groups gnomAD compares: Non-Finnish European, 0.0049%; no homozygotes.

Submission:

Labcorp Genetics (formerly Invitae), Labcorp
Classification: Uncertain significance. Last evaluated: 2025-06-30. Review status: criteria provided, single submitter. Criteria: Invitae Variant Classification Sherloc (09022015). Collection method: clinical testing. Allele origin: germline.
Comment: This sequence change replaces methionine, which is neutral and non-polar, with threonine, which is neutral and polar, at codon 74 of the ABCD3 protein (p.Met74Thr). This variant is present in population databases (rs762842137, gnomAD 0.005%). This variant has not been reported in the literature in individuals affected with ABCD3-related conditions. An algorithm developed to predict the effect of missense changes on protein structure and function (PolyPhen-2) suggests that this variant is likely to be tolerated. In summary, the available evidence is currently insufficient to determine the role of this variant in disease. Therefore, it has been classified as a Variant of Uncertain Significance.

NM_002858.4(ABCD3):c.221T>C (p.Met74Thr)

Gene: ABCD3 (ATP binding cassette subfamily D member 3; plus strand). Cytogenetic location: 1p21.3.
Variant type: single nucleotide variant.
Coding change: c.221T>C on transcript NM_002858.4 (MANE Select); coding-DNA position 221, T replaced by C.
Protein change: p.Met74Thr; replaces methionine 74 with threonine.
Molecular consequence: missense variant.
Genome position (GRCh38, 1-based): chr1:94,464,848, T>C. VCF-style: chr1-94464848-T-C. GRCh37 (hg19) VCF-style: chr1-94930404-T-C.
Other names: c.221T>C, p.Met74Thr (NM_001122674.2); short protein forms M74T.
Identifiers: ClinVar variation 4775403 (VCV004775403.1).